The following is an entry in ClinVar:

ClinVar aggregate classification (germline): Uncertain significance (1 of 4 stars; one submission).

Conditions:
Hereditary cancer-predisposing syndrome. Also called: Hereditary Cancer Syndrome; Hereditary neoplastic syndrome; Neoplastic Syndromes, Hereditary; Tumor predisposition. Identifiers: Orphanet 140162, MedGen C0027672, MeSH D009386, MONDO:0015356.

Submission:

Sema4
Classification: Uncertain significance for Hereditary cancer-predisposing syndrome. Last evaluated: 2021-11-05. Review status: criteria provided, single submitter. Criteria: Sema4 Curation Guidelines. Collection method: curation. Allele origin: germline.
Comment: The NTHL1 c.773C>T (p.S258F) variant has not been reported in the literature to our knowledge. It was not observed in the large and broad cohorts of the Genome Aggregation Database (PMID: 32461654), nor in ClinVar. Functional studies have not been performed, and in silico predictions of the variant's effect on protein function are inconclusive. The evidence is insufficient to meet ACMG/AMP criteria for classifying the variant as benign or pathogenic. Thus, the clinical significance of this variant is currently uncertain.

NM_002528.7(NTHL1):c.749C>T (p.Ser250Phe)

Gene: NTHL1 (nth like DNA glycosylase 1; minus strand). Cytogenetic location: 16p13.3.
Variant type: single nucleotide variant.
Coding change: c.749C>T on transcript NM_002528.7 (MANE Select); coding-DNA position 749, C replaced by T.
Protein change: p.Ser250Phe; replaces serine 250 with phenylalanine.
Molecular consequence: missense variant.
Genome position (GRCh38, 1-based): chr16:2,040,175, G>A on the plus strand (C>T on the coding strand, the complement: NTHL1 is on the minus strand). VCF-style: chr16-2040175-G-A. GRCh37 (hg19) VCF-style: chr16-2090176-G-A.
Other names: c.578C>T, p.Ser193Phe (NM_001318193.2); c.419C>T, p.Ser140Phe (NM_001318194.2); short protein forms S140F, S193F, S250F.
Identifiers: ClinVar variation 1692699 (VCV001692699.1), dbSNP rs1388969000, ClinGen allele CA394288927.
Genomic context (GRCh38, chr16:2,040,175, plus strand): 5'-CCCCCCACATACTCATACCTAGGCAGCCACTCCTCCAGGGCGGCGCGGGTCTCCTCTGGG[G>A]ACTTGGTTGCCTTCTTGGTCCACCTCAGCCTGTTGGCGATTCTGTGCACATGCGTGTCCA-3'
Protein context (NP_002519.2, residues 240-260): RLRWTKKATK[Ser250Phe]PEETRAALEE